The following is an entry in ClinVar:

ClinVar aggregate classification (germline): Uncertain significance (1 of 4 stars; one submission).

Conditions:
Benign neonatal seizures. Also called: Benign familial neonatal seizures; Benign neonatal familial convulsions; Benign familial neonatal epilepsy; Convulsions benign familial neonatal dominant form; Autosomal dominant form of benign neonatal seizures. Identifiers: Orphanet 1949, MedGen C0220669, MONDO:0016027.

Allele frequency attached by ClinVar (database versions not stated): gnomAD 0.00001; gnomAD exomes below 0.00001.
gnomAD v4.1: 7 of 1,614,090 alleles (0.00043%); highest among the groups gnomAD compares: Non-Finnish European, 0.00034%; no homozygotes.

Submission:

Labcorp Genetics (formerly Invitae), Labcorp
Classification: Uncertain significance for Benign neonatal seizures. Last evaluated: 2026-01-13. Review status: criteria provided, single submitter. Criteria: Invitae Variant Classification Sherloc (09022015). Collection method: clinical testing. Allele origin: germline.
Comment: This sequence change replaces threonine, which is neutral and polar, with methionine, which is neutral and non-polar, at codon 783 of the KCNQ3 protein (p.Thr783Met). This variant is present in population databases (no rsID available, gnomAD 0.006%). This variant has not been reported in the literature in individuals affected with KCNQ3-related conditions. ClinVar contains an entry for this variant (Variation ID: 2920422). Invitae Evidence Modeling of protein sequence and biophysical properties (such as structural, functional, and spatial information, amino acid conservation, physicochemical variation, residue mobility, and thermodynamic stability) indicates that this missense variant is not expected to disrupt KCNQ3 protein function with a negative predictive value of 95%. In summary, the available evidence is currently insufficient to determine the role of this variant in disease. Therefore, it has been classified as a Variant of Uncertain Significance.

NM_004519.4(KCNQ3):c.2348C>T (p.Thr783Met)

Gene: KCNQ3 (potassium voltage-gated channel subfamily Q member 3; minus strand). Cytogenetic location: 8q24.22.
Variant type: single nucleotide variant.
Coding change: c.2348C>T on transcript NM_004519.4 (MANE Select); coding-DNA position 2348, C replaced by T.
Protein change: p.Thr783Met; replaces threonine 783 with methionine.
Molecular consequence: missense variant.
Genome position (GRCh38, 1-based): chr8:132,129,533, G>A on the plus strand (C>T on the coding strand, the complement: KCNQ3 is on the minus strand). VCF-style: chr8-132129533-G-A. GRCh37 (hg19) VCF-style: chr8-133141780-G-A.
Other names: c.1988C>T, p.Thr663Met (NM_001204824.2); short protein forms T783M, T663M.
Identifiers: ClinVar variation 2920422 (VCV002920422.3), dbSNP rs1162617343, ClinGen allele CA372216085.